The following is an entry in ClinVar:

ClinVar aggregate classification (germline): Uncertain significance (1 of 4 stars; one submission).

Conditions:
Hereditary nonpolyposis colorectal neoplasms. Identifiers: MedGen C0009405, MeSH D003123.

Submission:

Labcorp Genetics (formerly Invitae), Labcorp
Classification: Uncertain significance for Hereditary nonpolyposis colorectal neoplasms. Last evaluated: 2024-09-30. Review status: criteria provided, single submitter. Criteria: Invitae Variant Classification Sherloc (09022015). Collection method: clinical testing. Allele origin: germline.
Comment: This sequence change replaces leucine, which is neutral and non-polar, with valine, which is neutral and non-polar, at codon 951 of the MSH6 protein (p.Leu951Val). This variant is not present in population databases (gnomAD no frequency). This variant has not been reported in the literature in individuals affected with MSH6-related conditions. Invitae Evidence Modeling of protein sequence and biophysical properties (such as structural, functional, and spatial information, amino acid conservation, physicochemical variation, residue mobility, and thermodynamic stability) has been performed for this missense variant. However, the output from this modeling did not meet the statistical confidence thresholds required to predict the impact of this variant on MSH6 protein function. In summary, the available evidence is currently insufficient to determine the role of this variant in disease. Therefore, it has been classified as a Variant of Uncertain Significance.

NM_000179.3(MSH6):c.2851C>G (p.Leu951Val)

Gene: MSH6 (mutS homolog 6; plus strand). Cytogenetic location: 2p16.3.
Variant type: single nucleotide variant.
Coding change: c.2851C>G on transcript NM_000179.3 (MANE Select); coding-DNA position 2851, C replaced by G.
Protein change: p.Leu951Val; replaces leucine 951 with valine.
Molecular consequence: missense variant. On other transcripts: intron variant (2), non-coding transcript variant (5).
Genome position (GRCh38, 1-based): chr2:47,800,834, C>G. VCF-style: chr2-47800834-C-G. GRCh37 (hg19) VCF-style: chr2-48027973-C-G.
Other names: c.2554C>G, p.Leu852Val (NM_001406828.1, NM_001406830.1, NM_001406797.1 and 10 more transcripts); c.796C>G, p.Leu266Val (NM_001407362.1); c.1945C>G, p.Leu649Val (NM_001406829.1, NM_001281493.2, NM_001281494.2 and 6 more transcripts); c.1606+1245C>G (NM_001406817.1); c.2461C>G, p.Leu821Val (NM_001281492.2); c.2947C>G, p.Leu983Val (NM_001406795.1, NM_001406802.1); c.2851C>G, p.Leu951Val (NM_001406796.1, NM_001406798.1, NM_001406800.1 and 2 more transcripts); c.2326C>G, p.Leu776Val (NM_001406799.1, NM_001406806.1, NM_001406807.1); and 4 more; short protein forms L266V, L649V, L821V, L852V, L925V, L951V, L953V, L776V.
Identifiers: ClinVar variation 3633961 (VCV003633961.2).
Genomic context (GRCh38, chr2:47,800,834, plus strand): 5'-GCAGGCTTTGACTCTGATTATGACCAAGCTCTTGCTGACATAAGAGAAAATGAACAGAGC[C>G]TCCTGGAATACCTAGAGAAACAGCGCAACAGAATTGGCTGTAGGACCATAGTCTATTGGG-3'
Protein context (NP_000170.1, residues 941-961): LADIRENEQS[Leu951Val]LEYLEKQRNR